The following is an entry in ClinVar:

ClinVar aggregate classification (germline): Conflicting classifications of pathogenicity. Review status: criteria provided, conflicting classifications (1 of 4 stars). 2 submissions from 2 submitters: Uncertain significance (1); Likely benign (1). Last evaluated 2026-02-26.

Conditions:
Developmental and epileptic encephalopathy. Identifiers: MedGen C5779964, MONDO:0100620.

Allele frequency attached by ClinVar (database versions not stated): TOPMed below 0.00001.

Submissions (2):

GeneDx
Classification: Likely benign. Last evaluated: 2026-02-26. Review status: criteria provided, single submitter. Criteria: GeneDx Variant Classification Process June 2021. Collection method: clinical testing. Allele origin: germline.
Comment: See Variant Classification Assertion Criteria.

Labcorp Genetics (formerly Invitae), Labcorp
Classification: Uncertain significance for Early-infantile DEE. Last evaluated: 2022-02-19. Review status: criteria provided, single submitter. Criteria: Invitae Variant Classification Sherloc (09022015). Collection method: clinical testing. Allele origin: germline.
Comment: This sequence change replaces glutamic acid, which is acidic and polar, with glutamine, which is neutral and polar, at codon 257 of the KCNQ2 protein (p.Glu257Gln). This variant is not present in population databases (gnomAD no frequency). This variant has not been reported in the literature in individuals affected with KCNQ2-related conditions. Algorithms developed to predict the effect of missense changes on protein structure and function are either unavailable or do not agree on the potential impact of this missense change (SIFT: "Tolerated"; PolyPhen-2: "Possibly Damaging"; Align-GVGD: "Class C0"). In summary, the available evidence is currently insufficient to determine the role of this variant in disease. Therefore, it has been classified as a Variant of Uncertain Significance.

NM_172107.4(KCNQ2):c.769G>C (p.Glu257Gln)

Gene: KCNQ2 (potassium voltage-gated channel subfamily Q member 2; minus strand). Cytogenetic location: 20q13.33.
Variant type: single nucleotide variant.
Coding change: c.769G>C on transcript NM_172107.4 (MANE Select); coding-DNA position 769, G replaced by C.
Protein change: p.Glu257Gln; replaces glutamic acid 257 with glutamine.
Molecular consequence: missense variant.
Genome position (GRCh38, 1-based): chr20:63,442,453, C>G on the plus strand (G>C on the coding strand, the complement: KCNQ2 is on the minus strand). VCF-style: chr20-63442453-C-G. GRCh37 (hg19) VCF-style: chr20-62073806-C-G.
Other names: c.769G>C, p.Glu257Gln (NM_001382235.1, NM_004518.6, NM_172106.3 and 2 more transcripts); c.769G>C (NM_172107.2); short protein forms E257Q.
Identifiers: ClinVar variation 2099779 (VCV002099779.3), dbSNP rs1555871853, ClinGen allele CA409653483.
Genomic context (GRCh38, chr20:63,442,453, plus strand): 5'-GACCACAACTCACCAGGCCCCACCAGAGTGCATCCGCGTAGGTGTCAAAGTGGTCGTTCT[C>G]CCCCTTCTCTGCCAAGTACACCAGGAACGAGGCCAGGATGAGACAAAGGAAGCCGATGTA-3'
Protein context (NP_742105.1, residues 247-267): SFLVYLAEKG[Glu257Gln]NDHFDTYADA